The following is an entry in ClinVar:

ClinVar aggregate classification (germline): Uncertain significance. Review status: criteria provided, multiple submitters, no conflicts (2 of 4 stars). 3 submissions from 3 submitters: Uncertain significance (3). Last evaluated 2025-08-20.

Conditions:
Inborn genetic diseases. Identifiers: MedGen C0950123, MeSH D030342.

Allele frequency attached by ClinVar (database versions not stated): TOPMed below 0.00001.
gnomAD v4.1: 1 of 1,613,856 alleles (0.000062%); highest among the groups gnomAD compares: Non-Finnish European, 0.000085%; no homozygotes.

Submissions (3):

Ambry Genetics
Classification: Uncertain significance for Inborn genetic diseases. Last evaluated: 2025-08-20. Review status: criteria provided, single submitter. Criteria: Ambry Variant Classification Scheme 2023. Collection method: clinical testing. Allele origin: germline.

GeneDx
Classification: Uncertain significance. Last evaluated: 2025-03-12. Review status: criteria provided, single submitter. Criteria: GeneDx Variant Classification Process June 2021. Collection method: clinical testing. Allele origin: germline. Affected: yes.
Comment: Not observed at significant frequency in large population cohorts (gnomAD); In silico analysis indicates that this missense variant does not alter protein structure/function; Has not been previously published as pathogenic or benign to our knowledge

Labcorp Genetics (formerly Invitae), Labcorp
Classification: Uncertain significance. Last evaluated: 2022-06-05. Review status: criteria provided, single submitter. Criteria: Invitae Variant Classification Sherloc (09022015). Collection method: clinical testing. Allele origin: germline.
Comment: This sequence change replaces valine, which is neutral and non-polar, with glutamic acid, which is acidic and polar, at codon 31 of the MRPL44 protein (p.Val31Glu). This variant is not present in population databases (gnomAD no frequency). This variant has not been reported in the literature in individuals affected with MRPL44-related conditions. ClinVar contains an entry for this variant (Variation ID: 1396119). Algorithms developed to predict the effect of missense changes on protein structure and function are either unavailable or do not agree on the potential impact of this missense change (SIFT: "Deleterious"; PolyPhen-2: "Benign"; Align-GVGD: "Class C0"). In summary, the available evidence is currently insufficient to determine the role of this variant in disease. Therefore, it has been classified as a Variant of Uncertain Significance.

NM_022915.5(MRPL44):c.92T>A (p.Val31Glu)

Gene: MRPL44 (mitochondrial ribosomal protein L44; plus strand). Cytogenetic location: 2q36.1.
Variant type: single nucleotide variant.
Coding change: c.92T>A on transcript NM_022915.5 (MANE Select); coding-DNA position 92, T replaced by A.
Protein change: p.Val31Glu; replaces valine 31 with glutamic acid.
Molecular consequence: missense variant.
Genome position (GRCh38, 1-based): chr2:223,957,564, T>A. VCF-style: chr2-223957564-T-A. GRCh37 (hg19) VCF-style: chr2-224822281-T-A.
Other names: c.92T>A (NM_022915.3); short protein forms V31E.
Identifiers: ClinVar variation 1396119 (VCV001396119.5), dbSNP rs1050354867, ClinGen allele CA65895046.
Genomic context (GRCh38, chr2:223,957,564, plus strand): 5'-AGGGACATCGCTGCCTCCTGGCTCCAGTCGCCCCCAAGCTGGTCCCTCCGGTTCGGGGAG[T>A]GAAGAAGGGATTCCGCGCCGCCTTCCGCTTCCAGAAGGAGTTAGAGCGGCAGCGCCTTCT-3'
Protein context (NP_075066.1, residues 21-41): APKLVPPVRG[Val31Glu]KKGFRAAFRF